The following is an entry in ClinVar:

NM_015154.3(MESD):c.464A>G (p.Asp155Gly)

Gene: MESD (mesoderm development LRP chaperone; minus strand). Cytogenetic location: 15q25.1.
Variant type: single nucleotide variant.
Coding change: c.464A>G on transcript NM_015154.3 (MANE Select); coding-DNA position 464, A replaced by G.
Protein change: p.Asp155Gly; replaces aspartic acid 155 with glycine.
Molecular consequence: missense variant. On other transcripts: non-coding transcript variant (1).
Genome position (GRCh38, 1-based): chr15:80,979,460, T>C on the plus strand (A>G on the coding strand, the complement: MESD is on the minus strand). VCF-style: chr15-80979460-T-C. GRCh37 (hg19) VCF-style: chr15-81271801-T-C.
Other names: c.464A>G (NM_015154.1); short protein forms D155G.
Identifiers: ClinVar variation 2084798 (VCV002084798.4), dbSNP rs146044786, ClinGen allele CA7693902.

ClinVar aggregate classification (germline): Uncertain significance. Review status: criteria provided, multiple submitters, no conflicts (2 of 4 stars). 2 submissions from 2 submitters: Uncertain significance (2). Last evaluated 2025-11-08.

Allele frequency attached by ClinVar (database versions not stated): TOPMed 0.00013; 1000 Genomes Project 0.00020; 1000 Genomes Project 30x 0.00031; gnomAD 0.00009; gnomAD exomes 0.00014; ExAC 0.00015; ESP Exome Variant Server 0.00031.
gnomAD v4.1: 215 of 1,614,146 alleles (0.013%); highest among the groups gnomAD compares: Non-Finnish European, 0.017%; no homozygotes.

Submissions (2):

Ambry Genetics
Classification: Uncertain significance. Last evaluated: 2025-11-08. Review status: criteria provided, single submitter. Criteria: Ambry Variant Classification Scheme 2023. Collection method: clinical testing. Allele origin: germline.

Labcorp Genetics (formerly Invitae), Labcorp
Classification: Uncertain significance. Last evaluated: 2024-12-09. Review status: criteria provided, single submitter. Criteria: Invitae Variant Classification Sherloc (09022015). Collection method: clinical testing. Allele origin: germline.
Comment: This sequence change replaces aspartic acid, which is acidic and polar, with glycine, which is neutral and non-polar, at codon 155 of the MESDC2 protein (p.Asp155Gly). This variant is present in population databases (rs146044786, gnomAD 0.02%). This variant has not been reported in the literature in individuals affected with MESDC2-related conditions. ClinVar contains an entry for this variant (Variation ID: 2084798). An algorithm developed to predict the effect of missense changes on protein structure and function (PolyPhen-2) suggests that this variant is likely to be disruptive. In summary, the available evidence is currently insufficient to determine the role of this variant in disease. Therefore, it has been classified as a Variant of Uncertain Significance.